The following is an entry in ClinVar:

ClinVar aggregate classification (germline): Uncertain significance. Review status: criteria provided, multiple submitters, no conflicts (2 of 4 stars). 2 submissions from 2 submitters: Uncertain significance (2). Last evaluated 2024-12-10.

Allele frequency attached by ClinVar (database versions not stated): gnomAD exomes below 0.00001; ExAC 0.00001.

Submissions (2):

GeneDx
Classification: Uncertain significance. Last evaluated: 2024-12-10. Review status: criteria provided, single submitter. Criteria: GeneDx Variant Classification Process June 2021. Collection method: clinical testing. Allele origin: germline. Affected: yes.
Comment: Not observed at significant frequency in large population cohorts (gnomAD); In silico analysis supports that this missense variant has a deleterious effect on protein structure/function; Has not been previously published as pathogenic or benign to our knowledge

Women's Health and Genetics/Laboratory Corporation of America, LabCorp
Classification: Uncertain significance. Last evaluated: 2021-01-28. Review status: criteria provided, single submitter. Criteria: LabCorp Variant Classification Summary - May 2015. Collection method: clinical testing. Allele origin: germline.
Comment: Variant summary: TGFB3 c.1214T>C (p.Val405Ala) results in a non-conservative amino acid change located in the Transforming growth factor-beta, C-terminal (IPR001839) of the encoded protein sequence. Five of five in-silico tools predict a damaging effect of the variant on protein function. The variant allele was found at a frequency of 4e-06 in 251468 control chromosomes. The available data on variant occurrences in the general population are insufficient to allow any conclusion about variant significance. To our knowledge, no occurrence of c.1214T>C in individuals affected with Loeys-Dietz Syndrome and no experimental evidence demonstrating its impact on protein function have been reported. No clinical diagnostic laboratories have submitted clinical-significance assessments for this variant to ClinVar after 2014. Based on the evidence outlined above, the variant was classified as uncertain significance.

NM_003239.5(TGFB3):c.1214T>C (p.Val405Ala)

Gene: TGFB3 (transforming growth factor beta 3; minus strand). Cytogenetic location: 14q24.3.
Variant type: single nucleotide variant.
Coding change: c.1214T>C on transcript NM_003239.5 (MANE Select); coding-DNA position 1214, T replaced by C.
Protein change: p.Val405Ala; replaces valine 405 with alanine.
Molecular consequence: missense variant.
Genome position (GRCh38, 1-based): chr14:75,959,212, A>G on the plus strand (T>C on the coding strand, the complement: TGFB3 is on the minus strand). VCF-style: chr14-75959212-A-G. GRCh37 (hg19) VCF-style: chr14-76425555-A-G.
Other names: c.1214T>C, p.Val405Ala (NM_001329939.2); c.1214T>C (NM_003239.2); short protein forms V405A.
Identifiers: ClinVar variation 996246 (VCV000996246.2), dbSNP rs774909501, ClinGen allele CA7280247.